The following is an entry in ClinVar:

ClinVar aggregate classification (germline): Uncertain significance (1 of 4 stars; one submission).

Conditions:
Hereditary hemochromatosis (HFE). Identifiers: MedGen C0392514, MONDO:0006507. Disease mechanism: loss of function.

Submission:

Labcorp Genetics (formerly Invitae), Labcorp
Classification: Uncertain significance for Hereditary hemochromatosis. Last evaluated: 2025-05-08. Review status: criteria provided, single submitter. Criteria: Invitae Variant Classification Sherloc (09022015). Collection method: clinical testing. Allele origin: germline.
Comment: This sequence change replaces leucine, which is neutral and non-polar, with arginine, which is basic and polar, at codon 25 of the HFE protein (p.Leu25Arg). This variant is not present in population databases (gnomAD no frequency). This variant has not been reported in the literature in individuals affected with HFE-related conditions. An algorithm developed to predict the effect of missense changes on protein structure and function outputs the following: PolyPhen-2: "Benign". The arginine amino acid residue is found in multiple mammalian species, which suggests that this missense change does not adversely affect protein function. In summary, the available evidence is currently insufficient to determine the role of this variant in disease. Therefore, it has been classified as a Variant of Uncertain Significance.

NM_000410.4(HFE):c.74T>G (p.Leu25Arg)

Genes: HFE (homeostatic iron regulator; plus strand), HFE-AS1 (HFE antisense RNA 1; minus strand). Cytogenetic location: 6p22.2.
Variant type: single nucleotide variant.
Coding change: c.74T>G on transcript NM_000410.4 (MANE Select); coding-DNA position 74, T replaced by G.
Protein change: p.Leu25Arg; replaces leucine 25 with arginine.
Molecular consequence: missense variant. On other transcripts: non-coding transcript variant (1).
Genome position (GRCh38, 1-based): chr6:26,087,514, T>G. VCF-style: chr6-26087514-T-G. GRCh37 (hg19) VCF-style: chr6-26087742-T-G.
Other names: c.74T>G, p.Leu25Arg (NM_001300749.3, NM_001384164.1, NM_001406751.1 and 9 more transcripts); short protein forms L25R.
Identifiers: ClinVar variation 4779694 (VCV004779694.1).